The following is an entry in ClinVar:

ClinVar aggregate classification (germline): Pathogenic (1 of 4 stars; one submission).

Conditions:
Hereditary hemorrhagic telangiectasia (HHT). Also called: Osler hemorrhagic telangiectasia syndrome; ORW DISEASE; Osler Weber Rendu syndrome; OSLER-RENDU-WEBER DISEASE. Identifiers: Orphanet 774, MedGen C0039445, MONDO:0019180. Disease mechanism: loss of function.

Allele frequency attached by ClinVar (database versions not stated): gnomAD exomes below 0.00001.
gnomAD v4.1: 1 of 1,614,182 alleles (0.000062%); highest among the groups gnomAD compares: South Asian, 0.0011%; no homozygotes.

Submission:

Labcorp Genetics (formerly Invitae), Labcorp
Classification: Pathogenic for Hereditary hemorrhagic telangiectasia. Last evaluated: 2020-06-16. Review status: criteria provided, single submitter. Criteria: Invitae Variant Classification Sherloc (09022015). Collection method: clinical testing. Allele origin: germline.
Comment: This sequence change affects an acceptor splice site in intron 12 of the ENG gene. It is expected to disrupt RNA splicing and likely results in an absent or disrupted protein product. This variant is not present in population databases (ExAC no frequency). This variant has been observed in individual(s) with hereditary hemorrhagic telangiectasia (PMID: 16542389). It has also been observed to segregate with disease in related individuals. Algorithms developed to predict the effect of sequence changes on RNA splicing suggest that this variant may disrupt the consensus splice site, but this prediction has not been confirmed by published transcriptional studies. Donor and acceptor splice site variants typically lead to a loss of protein function (PMID: 16199547), and loss-of-function variants in ENG are known to be pathogenic (PMID: 15879500). For these reasons, this variant has been classified as Pathogenic.

Literature cited by the submitters: PubMed 16542389; PubMed 16199547; PubMed 15879500.

NM_001114753.3(ENG):c.1687-2A>G

Genes: ENG (endoglin; minus strand), LOC102723566 (uncharacterized LOC102723566; plus strand). Cytogenetic location: 9q34.11.
Variant type: single nucleotide variant.
Coding change: c.1687-2A>G on transcript NM_001114753.3 (MANE Select); the canonical splice acceptor site of the intron before coding-DNA position 1687, A replaced by G.
Molecular consequence: splice acceptor variant. On other transcripts: non-coding transcript variant (1).
Genome position (GRCh38, 1-based): chr9:127,817,205, T>C on the plus strand (A>G on the coding strand, the complement: ENG is on the minus strand). VCF-style: chr9-127817205-T-C. GRCh37 (hg19) VCF-style: chr9-130579484-T-C.
Other names: c.1687-2A>G (NM_000118.4); c.1141-2A>G (NM_001278138.2).
Identifiers: ClinVar variation 1074831 (VCV001074831.10), dbSNP rs2131873933, ClinGen allele CA374973835.